The following is an entry in ClinVar:

ClinVar aggregate classification (germline): Likely benign (1 of 4 stars; one submission).

Allele frequency attached by ClinVar (database versions not stated): gnomAD 0.00001; gnomAD exomes 0.00001; TOPMed 0.00001.
gnomAD v4.1: 15 of 1,613,438 alleles (0.00093%); highest among the groups gnomAD compares: Non-Finnish European, 0.0012%; no homozygotes.

Submission:

CeGaT Center for Human Genetics Tuebingen
Classification: Likely benign. Last evaluated: 2022-06-01. Review status: criteria provided, single submitter. Criteria: CeGaT Center For Human Genetics Tuebingen Variant Classification Criteria Version 2. Collection method: clinical testing. Allele origin: germline. Affected: yes. Observed: 1 variant allele.
Comment: WWTR1: BP4, BP7

NM_015472.6(WWTR1):c.1092T>C (p.Leu364=)

Gene: WWTR1 (WW domain containing transcription regulator 1; minus strand). Cytogenetic location: 3q25.1.
Variant type: single nucleotide variant.
Coding change: c.1092T>C on transcript NM_015472.6 (MANE Select); coding-DNA position 1092, T replaced by C.
Protein change: p.Leu364=; no amino-acid change (leucine 364 retained).
Molecular consequence: synonymous variant.
Genome position (GRCh38, 1-based): chr3:149,520,916, A>G on the plus strand (T>C on the coding strand, the complement: WWTR1 is on the minus strand). VCF-style: chr3-149520916-A-G. GRCh37 (hg19) VCF-style: chr3-149238703-A-G.
Other names: c.1092T>C, p.Leu364= (NM_001168278.3, NM_001168280.3, NM_001348362.2).
Identifiers: ClinVar variation 2654218 (VCV002654218.24), dbSNP rs1268004851, ClinGen allele CA436340159.
Genomic context (GRCh38, chr3:149,520,916, plus strand): 5'-ATTGAAGAGGGGGATCAGGTCTTCAGATTCCAAAGTTCCTAAGTCAACGTTTGTTCCTGG[A>G]AGACAGTCAAGGAAATCAGGGAAACGGGTCTGTTGGGGATTGATGTTCATGGGTGTTTGT-3'
Protein context (NP_056287.1, residues 354-374): QTRFPDFLDC[Leu364=]PGTNVDLGTL